The following is an entry in ClinVar:

ClinVar aggregate classification (germline): Uncertain significance (1 of 4 stars; one submission).

Conditions:
Epidermolysis bullosa simplex, Ogna type (EBS5A). Also called: Pidermolysis bullosa simplex 5A, Ogna type; EPIDERMOLYSIS BULLOSA SIMPLEX 5A, OGNA TYPE. Identifiers: Orphanet 79401, MedGen C0432317, MONDO:0007555, OMIM 131950.
Autosomal recessive limb-girdle muscular dystrophy type 2Q (LGMDR17). Also called: MUSCULAR DYSTROPHY, LIMB-GIRDLE, AUTOSOMAL RECESSIVE 17. Identifiers: Orphanet 254361, MedGen C3150989, MONDO:0013390, OMIM 613723.
Epidermolysis bullosa simplex with nail dystrophy (EBS5D). Identifiers: MedGen C4225309, MONDO:0014661, OMIM 616487.
Epidermolysis bullosa simplex 5B, with muscular dystrophy (EBS5B). Also called: Epidermolysis bullosa simplex with muscular dystrophy; EPIDERMOLYSIS BULLOSA SIMPLEX AND LIMB-GIRDLE MUSCULAR DYSTROPHY. Identifiers: Orphanet 257, MedGen C2931072, MONDO:0009181, OMIM 226670.
Epidermolysis bullosa simplex 5C, with pyloric atresia (EBS5C). Also called: PLEC-Related Epidermolysis Bullosa with Pyloric Atresia; Epidermolysis bullosa simplex with pyloric atresia; PLEC1-Related Epidermolysis Bullosa with Pyloric Atresia. Identifiers: Orphanet 158684, MedGen C2677349, MONDO:0012807, OMIM 612138.

Allele frequency attached by ClinVar (database versions not stated): gnomAD exomes 0.00001.
gnomAD v4.1: 8 of 1,592,324 alleles (0.0005%); highest among the groups gnomAD compares: Non-Finnish European, 0.00068%; no homozygotes.

Submission:

Labcorp Genetics (formerly Invitae), Labcorp
Classification: Uncertain significance for Autosomal recessive limb-girdle muscular dystrophy type 2Q; Epidermolysis bullosa simplex, Ogna type; Epidermolysis bullosa simplex with nail dystrophy; Epidermolysis bullosa simplex 5C, with pyloric atresia; Epidermolysis bullosa simplex 5B, with muscular dystrophy. Last evaluated: 2022-07-06. Review status: criteria provided, single submitter. Criteria: Invitae Variant Classification Sherloc (09022015). Collection method: clinical testing. Allele origin: germline.
Comment: In summary, the available evidence is currently insufficient to determine the role of this variant in disease. Therefore, it has been classified as a Variant of Uncertain Significance. Algorithms developed to predict the effect of missense changes on protein structure and function (SIFT, PolyPhen-2, Align-GVGD) all suggest that this variant is likely to be disruptive. ClinVar contains an entry for this variant (Variation ID: 645180). This variant has not been reported in the literature in individuals affected with PLEC-related conditions. This variant is not present in population databases (gnomAD no frequency). This sequence change replaces aspartic acid, which is acidic and polar, with glycine, which is neutral and non-polar, at codon 3879 of the PLEC protein (p.Asp3879Gly).

NM_201384.3(PLEC):c.11555A>G (p.Asp3852Gly)

Gene: PLEC (plectin; minus strand). Cytogenetic location: 8q24.3.
Variant type: single nucleotide variant.
Coding change: c.11555A>G on transcript NM_201384.3 (MANE Select); coding-DNA position 11555, A replaced by G.
Protein change: p.Asp3852Gly; replaces aspartic acid 3852 with glycine.
Molecular consequence: missense variant.
Genome position (GRCh38, 1-based): chr8:143,918,266, T>C on the plus strand (A>G on the coding strand, the complement: PLEC is on the minus strand). VCF-style: chr8-143918266-T-C. GRCh37 (hg19) VCF-style: chr8-144992434-T-C.
Other names: c.11636A>G, p.Asp3879Gly (NM_000445.5); c.11513A>G, p.Asp3838Gly (NM_201378.4); c.11489A>G, p.Asp3830Gly (NM_201379.3); c.11966A>G, p.Asp3989Gly (NM_201380.4); c.11459A>G, p.Asp3820Gly (NM_201381.3); c.11555A>G, p.Asp3852Gly (NM_201382.4); c.11567A>G, p.Asp3856Gly (NM_201383.3); short protein forms D3856G, D3830G, D3838G, D3820G, D3852G, D3879G, D3989G.
Identifiers: ClinVar variation 645180 (VCV000645180.9), dbSNP rs1586777085, ClinGen allele CA372489924.
Genomic context (GRCh38, chr8:143,918,266, plus strand): 5'-TGGCCGGTGCCGTCGTCACGACGGCACCGCCTGAGCAGCTGCGTGTAGCTGAGGCGCTCG[T>C]CGGTGGACGGGTCCACGTAGCTGCGCACCTCGCTGGGCTCTGACAGCTGGTCGTGCGTGT-3'
Protein context (NP_958786.1, residues 3842-3862): EVRSYVDPST[Asp3852Gly]ERLSYTQLLR